The following is an entry in ClinVar:

ClinVar aggregate classification (germline): Uncertain significance. Review status: criteria provided, multiple submitters, no conflicts (2 of 4 stars). 2 submissions from 2 submitters: Uncertain significance (2). Last evaluated 2023-07-11.

Conditions:
Hereditary cancer-predisposing syndrome. Also called: Hereditary Cancer Syndrome; Hereditary neoplastic syndrome; Neoplastic Syndromes, Hereditary; Tumor predisposition. Identifiers: Orphanet 140162, MedGen C0027672, MeSH D009386, MONDO:0015356.
Polyposis syndrome, hereditary mixed, 2. Identifiers: Orphanet 157794, MedGen C1864730, MONDO:0012405, OMIM 610069.

Submissions (2):

Baylor Genetics
Classification: Uncertain significance for Polyposis syndrome, hereditary mixed, 2. Last evaluated: 2023-07-11. Review status: criteria provided, single submitter. Criteria: ACMG Guidelines, 2015. Collection method: clinical testing. Allele origin: unknown.

Ambry Genetics
Classification: Uncertain significance for Hereditary cancer-predisposing syndrome. Last evaluated: 2021-07-01. Review status: criteria provided, single submitter. Criteria: Ambry Variant Classification Scheme 2023. Collection method: clinical testing. Allele origin: germline.
Comment: The p.A330P variant (also known as c.988G>C), located in coding exon 8 of the BMPR1A gene, results from a G to C substitution at nucleotide position 988. The alanine at codon 330 is replaced by proline, an amino acid with highly similar properties. This amino acid position is well conserved in available vertebrate species. In addition, the in silico prediction for this alteration is inconclusive. Since supporting evidence is limited at this time, the clinical significance of this alteration remains unclear.

NM_004329.3(BMPR1A):c.988G>C (p.Ala330Pro)

Gene: BMPR1A (bone morphogenetic protein receptor type 1A; plus strand). Cytogenetic location: 10q23.2.
Variant type: single nucleotide variant.
Coding change: c.988G>C on transcript NM_004329.3 (MANE Select); coding-DNA position 988, G replaced by C.
Protein change: p.Ala330Pro; replaces alanine 330 with proline.
Molecular consequence: missense variant.
Genome position (GRCh38, 1-based): chr10:86,919,291, G>C. VCF-style: chr10-86919291-G-C. GRCh37 (hg19) VCF-style: chr10-88679048-G-C.
Other names: c.1063G>C, p.Ala355Pro (NM_001406559.1); c.1036G>C, p.Ala346Pro (NM_001406560.1); c.988G>C, p.Ala330Pro (NM_001406561.1, NM_001406562.1, NM_001406563.1 and 19 more transcripts); c.982G>C, p.Ala328Pro (NM_001406583.1); c.904G>C, p.Ala302Pro (NM_001406584.1, NM_001406585.1, NM_001406586.1 and 2 more transcripts); c.646G>C, p.Ala216Pro (NM_001406589.1); short protein forms A302P, A346P, A330P, A355P, A216P, A328P.
Identifiers: ClinVar variation 1768501 (VCV001768501.3), dbSNP rs927151124, ClinGen allele CA377460425.